The following is an entry in ClinVar:

ClinVar aggregate classification (germline): Uncertain significance (1 of 4 stars; one submission).

Conditions:
Cardiovascular phenotype. Identifiers: MedGen CN230736.

Submission:

Ambry Genetics
Classification: Uncertain significance for Cardiovascular phenotype. Last evaluated: 2022-10-11. Review status: criteria provided, single submitter. Criteria: Ambry Variant Classification Scheme 2023. Collection method: clinical testing. Allele origin: germline.
Comment: The c.491_492delTCinsAG variant (also known as p.L164Q), located in coding exon 4 of the SCN4B gene, results from an in-frame deletion of TC and insertion of AG at nucleotide positions 491 to 492. This results in the substitution of the leucine residue for a glutamine residue at codon 164, an amino acid with dissimilar properties. This amino acid position is not well conserved in available vertebrate species. In addition, the in silico prediction for this alteration is inconclusive (Choi Y et al. PLoS ONE. 2012; 7(10):e46688). The evidence for this gene-disease relationship is limited; therefore, the clinical significance of this alteration is unclear.

NM_174934.4(SCN4B):c.491_492delinsAG (p.Leu164Gln)

Gene: SCN4B (sodium voltage-gated channel beta subunit 4; minus strand). Cytogenetic location: 11q23.3.
Variant type: Indel.
Coding change: c.491_492delinsAG on transcript NM_174934.4 (MANE Select); coding-DNA positions 491 to 492, TC replaced by AG.
Protein change: p.Leu164Gln; replaces leucine 164 with glutamine.
Molecular consequence: missense variant. On other transcripts: non-coding transcript variant (1).
Genome position (GRCh38, 1-based): chr11:118,141,308-118,141,309, GA replaced by CT on the plus strand (TC replaced by AG on the coding strand, the reverse complement: SCN4B is on the minus strand). VCF-style: chr11-118141308-GA-CT. GRCh37 (hg19) VCF-style: chr11-118012023-GA-CT.
Other names: c.89_90delinsAG, p.Leu30Gln (NM_001142348.2); c.161_162delinsAG, p.Leu54Gln (NM_001142349.2); short protein forms L164Q, L54Q, L30Q.
Identifiers: ClinVar variation 1744052 (VCV001744052.2), dbSNP rs2497558461, ClinGen allele CA2580083568.